The following is an entry in ClinVar:

NM_000051.4(ATM):c.6615_6616delinsAT (p.Trp2205_Gln2206delinsTer)

Genes: ATM (ATM serine/threonine kinase; plus strand), C11orf65 (chromosome 11 open reading frame 65; minus strand). Cytogenetic location: 11q22.3.
Variant type: Indel.
Coding change: c.6615_6616delinsAT on transcript NM_000051.4 (MANE Select); coding-DNA positions 6615 to 6616, GC replaced by AT.
Protein change: p.Trp2205_Gln2206delinsTer.
Molecular consequence: nonsense. On other transcripts: intron variant (2).
Genome position (GRCh38, 1-based): chr11:108,325,352-108,325,353, GC replaced by AT. VCF-style: chr11-108325352-GC-AT. GRCh37 (hg19) VCF-style: chr11-108196079-GC-AT.
Other names: c.6615_6616delinsAT, p.Trp2205_Gln2206delinsTer (NM_001351834.2); c.641-16282_641-16281delinsAT (NM_001330368.2); c.*38+9867_*38+9868delinsAT (NM_001351110.2); short protein forms W2205*.
Identifiers: ClinVar variation 4729119 (VCV004729119.1).

ClinVar aggregate classification (germline): Pathogenic (1 of 4 stars; one submission).

Conditions:
Ataxia-telangiectasia syndrome (AT). Also called: Ataxia-telangiectasia, complementation group D; AT, COMPLEMENTATION GROUP C; ATAXIA-TELANGIECTASIA, COMPLEMENTATION GROUP A; ATAXIA-TELANGIECTASIA, FRESNO VARIANT; Ataxia-telangiectasia; Ataxia-telangiectasia, complementation group E. Identifiers: Orphanet 100, MedGen C0004135, MONDO:0008840, OMIM 208900.

Submission:

Labcorp Genetics (formerly Invitae), Labcorp
Classification: Pathogenic for Ataxia-telangiectasia syndrome. Last evaluated: 2025-10-13. Review status: criteria provided, single submitter. Criteria: Invitae Variant Classification Sherloc (09022015). Collection method: clinical testing. Allele origin: germline.
Comment: This sequence change creates a premature translational stop signal (p.Trp2205*) in the ATM gene. It is expected to result in an absent or disrupted protein product. Loss-of-function variants in ATM are known to be pathogenic (PMID: 23807571, 25614872). Information on the frequency of this variant in the gnomAD database is not available, as this variant may be reported differently in the database. This variant has not been reported in the literature in individuals affected with ATM-related conditions. For these reasons, this variant has been classified as Pathogenic.

Literature cited by the submitters: PubMed 23807571; PubMed 25614872.